The following is an entry in ClinVar:

NM_004136.4(IREB2):c.1323A>G (p.Ile441Met)

Gene: IREB2 (iron responsive element binding protein 2; plus strand). Cytogenetic location: 15q25.1.
Variant type: single nucleotide variant.
Coding change: c.1323A>G on transcript NM_004136.4 (MANE Select); coding-DNA position 1323, A replaced by G.
Protein change: p.Ile441Met; replaces isoleucine 441 with methionine.
Molecular consequence: missense variant.
Genome position (GRCh38, 1-based): chr15:78,483,344, A>G. VCF-style: chr15-78483344-A-G. GRCh37 (hg19) VCF-style: chr15-78775686-A-G.
Other names: c.573A>G, p.Ile191Met (NM_001320941.2); c.1152A>G, p.Ile384Met (NM_001320942.2, NM_001354994.2); short protein forms I441M, I191M, I384M.
Identifiers: ClinVar variation 2103691 (VCV002103691.4), dbSNP rs2141510762, ClinGen allele CA393570180.

ClinVar aggregate classification (germline): Uncertain significance (1 of 4 stars; one submission).

Allele frequency attached by ClinVar (database versions not stated): gnomAD exomes below 0.00001.
gnomAD v4.1: 2 of 1,582,218 alleles (0.00013%); highest among the groups gnomAD compares: Non-Finnish European, 0.00017%; no homozygotes.

Submission:

Labcorp Genetics (formerly Invitae), Labcorp
Classification: Uncertain significance. Last evaluated: 2022-02-25. Review status: criteria provided, single submitter. Criteria: Invitae Variant Classification Sherloc (09022015). Collection method: clinical testing. Allele origin: germline.
Comment: In summary, the available evidence is currently insufficient to determine the role of this variant in disease. Therefore, it has been classified as a Variant of Uncertain Significance. Algorithms developed to predict the effect of missense changes on protein structure and function are either unavailable or do not agree on the potential impact of this missense change (SIFT: "Not Available"; PolyPhen-2: "Benign"; Align-GVGD: "Not Available"). This variant has not been reported in the literature in individuals affected with IREB2-related conditions. This variant is not present in population databases (gnomAD no frequency). This sequence change replaces isoleucine, which is neutral and non-polar, with methionine, which is neutral and non-polar, at codon 441 of the IREB2 protein (p.Ile441Met).